The following is an entry in ClinVar:

ClinVar aggregate classification (germline): Benign. Review status: criteria provided, multiple submitters, no conflicts (2 of 4 stars). 3 submissions from 3 submitters: Benign (2). 1 of the submissions does not count toward it. Last evaluated 2018-06-22.

Conditions:
Breast cancer, susceptibility to, in BRCA1 and BRCA2 carriers.

Allele frequency attached by ClinVar (database versions not stated): gnomAD exomes 0.06486; gnomAD 0.12259 and 0.12401; TOPMed 0.12606; 1000 Genomes Project 30x 0.14147; 1000 Genomes Project 0.14317.
gnomAD v4.1: 18,701 of 152,656 alleles (12%); highest among the groups gnomAD compares: African/African-American, 23%; 1,478 homozygotes.

Submissions (3):

GeneDx
Classification: Benign. Last evaluated: 2018-06-22. Review status: criteria provided, single submitter. Criteria: GeneDx Variant Classification Process June 2021. Collection method: clinical testing. Allele origin: germline. Affected: yes.
Comment: This variant is associated with the following publications: (PMID: 26117002, 22487057, 24930116, 24604328, 23161237, 11248061, 19606696, 24040396, 21647442, 24859942, 22611952, 16398215, 11535547, 21708019, 20640595, 20623332, 20454923, 20396943, 17999359)

Breakthrough Genomics
Classification: Benign. Review status: criteria provided, single submitter. Criteria: ACMG Guidelines, 2015. Collection method: not provided. Allele origin: germline. Inheritance: Autosomal dominant inheritance. Affected: yes.

OMIM
Classification: risk factor for BREAST CANCER, SUSCEPTIBILITY TO, IN BRCA1 AND BRCA2 CARRIERS. Last evaluated: 2007-12-01. Review status: no assertion criteria provided. Collection method: literature only. Allele origin: germline. Not counted in ClinVar's aggregate classification.

Literature cited by the submitters: Wang, W., Tucker, M. A., Doody, M. M., Tarone, R. E., Struewing, J. P. A single nucleotide polymorphism in the 5-prime-UTR of RAD51 is associated with the risk of breast cancer among BRCA1/2 mutation carriers. (Abstract) Am. J. Hum. Genet. 65: A22-only, 1999. (cited by OMIM); PubMed 11248061 (cited by OMIM); PubMed 17999359 (cited by OMIM).

NM_002875.5(RAD51):c.-98G>C

Genes: RAD51 (RAD51 recombinase; plus strand), LOC130056864 (ATAC-STARR-seq lymphoblastoid active region 9258; plus strand). Cytogenetic location: 15q15.1.
Variant type: single nucleotide variant.
Coding change: c.-98G>C on transcript NM_002875.5 (MANE Select); 98 bases upstream of the start codon, G replaced by C.
Molecular consequence: 5 prime UTR variant. On other transcripts: intron variant (1).
Genome position (GRCh38, 1-based): chr15:40,695,330, G>C. VCF-style: chr15-40695330-G-C. GRCh37 (hg19) VCF-style: chr15-40987528-G-C.
Other names: 135G-C; c.-98G>C (NM_001164270.2, NM_133487.4); c.-3+9G>C (NM_001164269.2).
Identifiers: ClinVar variation 13128 (VCV000013128.4), dbSNP rs1801320, ClinGen allele CA16044114.